The following is an entry in ClinVar:

NM_003052.5(SLC34A1):c.1839G>C (p.Arg613Ser)

Gene: SLC34A1 (solute carrier family 34 member 1; plus strand). Cytogenetic location: 5q35.3.
Variant type: single nucleotide variant.
Coding change: c.1839G>C on transcript NM_003052.5 (MANE Select); coding-DNA position 1839, G replaced by C.
Protein change: p.Arg613Ser; replaces arginine 613 with serine.
Molecular consequence: missense variant.
Genome position (GRCh38, 1-based): chr5:177,398,205, G>C. VCF-style: chr5-177398205-G-C. GRCh37 (hg19) VCF-style: chr5-176825206-G-C.
Other names: short protein forms R613S.
Identifiers: ClinVar variation 3797482 (VCV003797482.2).

ClinVar aggregate classification (germline): Uncertain significance. Review status: criteria provided, multiple submitters, no conflicts (2 of 4 stars). 2 submissions from 2 submitters: Uncertain significance (2). Last evaluated 2026-06-10.

Conditions:
Inborn genetic diseases. Identifiers: MedGen C0950123, MeSH D030342.

gnomAD v4.1: 4 of 1,606,906 alleles (0.00025%); highest among the groups gnomAD compares: Admixed American, 0.0017%; no homozygotes.

Submissions (2):

Women's Health and Genetics/Laboratory Corporation of America, LabCorp
Classification: Uncertain significance. Last evaluated: 2026-06-10. Review status: criteria provided, single submitter. Criteria: LabCorp Variant Classification Summary - May 2015. Collection method: clinical testing. Allele origin: germline.
Comment: Variant summary: SLC34A1 c.1839G>C (p.Arg613Ser) results in a non-conservative amino acid change in the encoded protein sequence. Algorithms developed to predict the effect of missense changes on protein structure and function are either unavailable or do not agree on the potential impact of this missense change. The variant allele was found at a frequency of 4.1e-06 in 243078 control chromosomes. The available data on variant occurrences in the general population are insufficient to allow any conclusion about variant significance. To our knowledge, no occurrence of c.1839G>C in individuals affected with SLC34A1-related conditions and no experimental evidence demonstrating its impact on protein function have been reported. ClinVar contains an entry for this variant (Variation ID: 3797482). Based on the evidence outlined above, the variant was classified as uncertain significance.

Ambry Genetics
Classification: Uncertain significance for Inborn genetic diseases. Last evaluated: 2025-01-22. Review status: criteria provided, single submitter. Criteria: Ambry Variant Classification Scheme 2023. Collection method: clinical testing. Allele origin: germline.